The following is an entry in ClinVar:

ClinVar aggregate classification (germline): Uncertain significance. Review status: criteria provided, multiple submitters, no conflicts (2 of 4 stars). 5 submissions from 5 submitters: Uncertain significance (5). Last evaluated 2025-10-08.

Conditions:
Inborn genetic diseases. Identifiers: MedGen C0950123, MeSH D030342.
Brown-Vialetto-van Laere syndrome 2. Also called: Riboflavin transporter deficiency type 2; SPINOCEREBELLAR ATAXIA WITH BLINDNESS AND DEAFNESS 2. Identifiers: Orphanet 572543, Orphanet 97229, MedGen C3553538, MONDO:0013867, OMIM 614707.
SLC52A2-related disorder. Also called: SLC52A2-related condition.

Allele frequency attached by ClinVar (database versions not stated): ExAC 0.00008; gnomAD 0.00010; TOPMed 0.00009; gnomAD exomes 0.00011.
gnomAD v4.1: 358 of 1,608,548 alleles (0.022%); highest among the groups gnomAD compares: Non-Finnish European, 0.028%; no homozygotes.

Submissions (5):

PreventionGenetics, part of Exact Sciences
Classification: Uncertain significance for SLC52A2-related condition. Last evaluated: 2025-10-08. Review status: criteria provided, single submitter. Criteria: ACMG Guidelines, 2015. Collection method: clinical testing. Allele origin: germline.
Comment: The SLC52A2 c.863C>T variant is predicted to result in the amino acid substitution p.Ala288Val. This variant was reported along with a second potentially causative variant in an individual with Brown-Vialetto-Van Laere syndrome (Manole et al. 2017. PubMed ID: 29053833). This variant is reported in 0.016% of alleles in individuals of European (Non-Finnish) descent in gnomAD. At this time, the clinical significance of this variant is uncertain due to the absence of conclusive functional and genetic evidence.

Ambry Genetics
Classification: Uncertain significance for Inborn genetic diseases. Last evaluated: 2025-08-30. Review status: criteria provided, single submitter. Criteria: Ambry Variant Classification Scheme 2023. Collection method: clinical testing. Allele origin: germline.

Blueprint Genetics
Classification: Uncertain significance. Last evaluated: 2024-11-27. Review status: criteria provided, single submitter. Criteria: ACMG Guidelines, 2015. Collection method: clinical testing. Allele origin: germline.

GeneDx
Classification: Uncertain significance. Last evaluated: 2024-09-25. Review status: criteria provided, single submitter. Criteria: GeneDx Variant Classification Process June 2021. Collection method: clinical testing. Allele origin: germline.
Comment: Identified in an adult with sensorineural hearing loss, optic atrophy, upper and lower extremity weakness, unsteadiness, dysphagia, difficulty chewing, and difficulty breathing who also harbored a second SLC52A2 variant (PMID: 29053833); Identified by whole exome sequencing in an adult with severe hearing loss, chronic respiratory failure and optic atrophy since childhood (PMID: 33201363); In silico analysis supports that this missense variant has a deleterious effect on protein structure/function; This variant is associated with the following publications: (PMID: 29053833, 33201363, 38965176)

Labcorp Genetics (formerly Invitae), Labcorp
Classification: Uncertain significance for Brown-Vialetto-van Laere syndrome 2. Last evaluated: 2022-07-07. Review status: criteria provided, single submitter. Criteria: Invitae Variant Classification Sherloc (09022015). Collection method: clinical testing. Allele origin: germline.
Comment: This sequence change replaces alanine, which is neutral and non-polar, with valine, which is neutral and non-polar, at codon 288 of the SLC52A2 protein (p.Ala288Val). This variant is present in population databases (rs764545993, gnomAD 0.02%). This missense change has been observed in individual(s) with Brown-Vialetto-Van Laere syndrome (PMID: 29053833). ClinVar contains an entry for this variant (Variation ID: 540431). Advanced modeling of protein sequence and biophysical properties (such as structural, functional, and spatial information, amino acid conservation, physicochemical variation, residue mobility, and thermodynamic stability) performed at Invitae indicates that this missense variant is expected to disrupt SLC52A2 protein function. In summary, the available evidence is currently insufficient to determine the role of this variant in disease. Therefore, it has been classified as a Variant of Uncertain Significance.

Literature cited by the submitters: PubMed 29053833 (cited by Labcorp Genetics (formerly Invitae), Labcorp).

NM_001363118.2(SLC52A2):c.863C>T (p.Ala288Val)

Gene: SLC52A2 (solute carrier family 52 member 2; plus strand). Cytogenetic location: 8q24.3.
Variant type: single nucleotide variant.
Coding change: c.863C>T on transcript NM_001363118.2 (MANE Select); coding-DNA position 863, C replaced by T.
Protein change: p.Ala288Val; replaces alanine 288 with valine.
Molecular consequence: missense variant. On other transcripts: non-coding transcript variant (1).
Genome position (GRCh38, 1-based): chr8:144,360,355, C>T. VCF-style: chr8-144360355-C-T. GRCh37 (hg19) VCF-style: chr8-145584015-C-T.
Other names: c.863C>T, p.Ala288Val (NM_001253815.2, NM_001253816.2, NM_001363120.2 and 2 more transcripts); c.371C>T, p.Ala124Val (NM_001363122.2); c.863C>T (NM_001253816.1); short protein forms A288V, A124V.
Identifiers: ClinVar variation 540431 (VCV000540431.11), dbSNP rs764545993, ClinGen allele CA4938295.